The following is an entry in ClinVar:

NM_138420.4(AHNAK2):c.5931C>T (p.Ala1977=)

Gene: AHNAK2 (AHNAK nucleoprotein 2; minus strand). Cytogenetic location: 14q32.33.
Variant type: single nucleotide variant.
Coding change: c.5931C>T on transcript NM_138420.4 (MANE Select); coding-DNA position 5931, C replaced by T.
Protein change: p.Ala1977=; no amino-acid change (alanine 1977 retained).
Molecular consequence: synonymous variant.
Genome position (GRCh38, 1-based): chr14:104,949,520, G>A on the plus strand (C>T on the coding strand, the complement: AHNAK2 is on the minus strand). VCF-style: chr14-104949520-G-A. GRCh37 (hg19) VCF-style: chr14-105415857-G-A.
Other names: c.5631C>T, p.Ala1877= (NM_001350929.2).
Identifiers: ClinVar variation 2644771 (VCV002644771.24), dbSNP rs199939320, ClinGen allele CA7381436.
Genomic context (GRCh38, chr14:104,949,520, plus strand): 5'-CGACGGCATCTTGAATTTGGGCATTTTGAACTTGCTGTCTTTGGCAGTCATGTCCTTGTC[G>A]GCCAGGGACAGGTCTCCCTCCAGCCGCGCACCATCCAGCTTAGCCTTCTGGGCCTGGACA-3'
Protein context (NP_612429.2, residues 1967-1987): GARLEGDLSL[Ala1977=]DKDMTAKDSK

ClinVar aggregate classification (germline): Likely benign (1 of 4 stars; one submission).

Allele frequency attached by ClinVar (database versions not stated): 1000 Genomes Project 0.00080; 1000 Genomes Project 30x 0.00094; gnomAD 0.00118; ESP Exome Variant Server 0.00212.
gnomAD v4.1: 2,599 of 1,587,918 alleles (0.16%); highest among the groups gnomAD compares: Non-Finnish European, 0.2%; 257 homozygotes.

Submission:

CeGaT Center for Human Genetics Tuebingen
Classification: Likely benign. Last evaluated: 2023-08-01. Review status: criteria provided, single submitter. Criteria: CeGaT Center For Human Genetics Tuebingen Variant Classification Criteria Version 2. Collection method: clinical testing. Allele origin: germline. Affected: yes. Observed: 3 variant alleles.
Comment: AHNAK2: BP4, BP7, BS2